The following is an entry in ClinVar:

NM_144997.7(FLCN):c.780-14G>C

Gene: FLCN (folliculin; minus strand). Cytogenetic location: 17p11.2.
Variant type: single nucleotide variant.
Coding change: c.780-14G>C on transcript NM_144997.7 (MANE Select); 14 bases into the intron before coding-DNA position 780, G replaced by C.
Molecular consequence: intron variant.
Genome position (GRCh38, 1-based): chr17:17,221,642, C>G on the plus strand (G>C on the coding strand, the complement: FLCN is on the minus strand). VCF-style: chr17-17221642-C-G. GRCh37 (hg19) VCF-style: chr17-17124956-C-G.
Other names: c.780-14G>C (NM_001353231.2, NM_001353230.2, NM_144606.7); c.834-14G>C (NM_001353229.2).
Identifiers: ClinVar variation 1550969 (VCV001550969.10), dbSNP rs749287616, ClinGen allele CA8416298.
Genomic context (GRCh38, chr17:17,221,642, plus strand): 5'-CTTCCAGGAGCTTCTCGGTCAGCCGGCTGCCACACGCCTTCAGGAGCCTGGAGAACACAG[C>G]ACCAGCTATGAGCGTTCTCGCCAAAGGAAAAAGCAAACCTGACGCTCACCCAGCCCCTGA-3'

ClinVar aggregate classification (germline): Likely benign. Review status: criteria provided, multiple submitters, no conflicts (2 of 4 stars). 3 submissions from 3 submitters: Likely benign (3). Last evaluated 2025-06-09.

Conditions:
Birt-Hogg-Dube syndrome. Also called: Birt Hogg Dubé syndrome. Identifiers: Orphanet 122, MedGen C0346010, MONDO:0800444.
Birt-Hogg-Dube syndrome 1 (BHD1). Also called: FIBROFOLLICULOMAS WITH TRICHODISCOMAS AND ACROCHORDONS. Identifiers: Orphanet 122, MedGen CN375946, MONDO:0800445, OMIM 135150.

Allele frequency attached by ClinVar (database versions not stated): ExAC 0.00001.
gnomAD v4.1: 5 of 1,605,340 alleles (0.00031%); highest among the groups gnomAD compares: African/African-American, 0.0067%; no homozygotes.

Submissions (3):

Labcorp Genetics (formerly Invitae), Labcorp
Classification: Likely benign for Birt-Hogg-Dube syndrome. Last evaluated: 2025-06-09. Review status: criteria provided, single submitter. Criteria: Invitae Variant Classification Sherloc (09022015). Collection method: clinical testing. Allele origin: germline.

Myriad Genetics, Inc.
Classification: Likely benign for Birt-Hogg-Dube syndrome 1. Last evaluated: 2024-10-23. Review status: criteria provided, single submitter. Criteria: Myriad Autosomal Dominant, Autosomal Recessive and X-Linked Classification Criteria (2023). Collection method: clinical testing. Allele origin: unknown.
Comment: This variant is considered likely benign. This variant is intronic and is not expected to impact mRNA splicing.

Breakthrough Genomics
Classification: Likely benign. Review status: criteria provided, single submitter. Criteria: ACMG Guidelines, 2015. Collection method: not provided. Allele origin: germline. Inheritance: Autosomal dominant inheritance. Affected: yes.